The following is an entry in ClinVar:

ClinVar aggregate classification (germline): Uncertain significance (1 of 4 stars; one submission).

Submission:

GeneDx
Classification: Uncertain significance. Last evaluated: 2023-03-29. Review status: criteria provided, single submitter. Criteria: GeneDx Variant Classification Process June 2021. Collection method: clinical testing. Allele origin: germline. Affected: yes.
Comment: Not observed at significant frequency in large population cohorts (gnomAD); In silico analysis supports that this missense variant has a deleterious effect on protein structure/function; Has not been previously published as pathogenic or benign to our knowledge; This variant is associated with the following publications: (PMID: 8616895)

NM_004380.3(CREBBP):c.79A>T (p.Ser27Cys)

Genes: CREBBP (CREB binding protein; minus strand), LOC130058357 (ATAC-STARR-seq lymphoblastoid silent region 7141; plus strand). Cytogenetic location: 16p13.3.
Variant type: single nucleotide variant.
Coding change: c.79A>T on transcript NM_004380.3 (MANE Select); coding-DNA position 79, A replaced by T.
Protein change: p.Ser27Cys; replaces serine 27 with cysteine.
Molecular consequence: missense variant.
Genome position (GRCh38, 1-based): chr16:3,879,838, T>A on the plus strand (A>T on the coding strand, the complement: CREBBP is on the minus strand). VCF-style: chr16-3879838-T-A. GRCh37 (hg19) VCF-style: chr16-3929839-T-A.
Other names: c.79A>T, p.Ser27Cys (NM_001079846.1); short protein forms S27C.
Identifiers: ClinVar variation 2582106 (VCV002582106.1), dbSNP rs878985635, ClinGen allele CA394567692.